The following is an entry in ClinVar:

ClinVar aggregate classification (germline): Uncertain significance (1 of 4 stars; one submission).

Conditions:
Early-infantile DEE. Also called: Early infantile epileptic encephalopathy; Ohtahara syndrome; Early infantile epileptic encephalopathy with suppression bursts. Identifiers: Orphanet 1934, MedGen C0393706, MONDO:0800491.

gnomAD v4.1: 5 of 1,613,928 alleles (0.00031%); highest among the groups gnomAD compares: Non-Finnish European, 0.00042%; no homozygotes.

Submission:

Labcorp Genetics (formerly Invitae), Labcorp
Classification: Uncertain significance for Early-infantile DEE. Last evaluated: 2024-04-05. Review status: criteria provided, single submitter. Criteria: Invitae Variant Classification Sherloc (09022015). Collection method: clinical testing. Allele origin: germline.
Comment: This sequence change replaces aspartic acid, which is acidic and polar, with glutamic acid, which is acidic and polar, at codon 1370 of the SPTAN1 protein (p.Asp1370Glu). This variant is not present in population databases (gnomAD no frequency). This variant has not been reported in the literature in individuals affected with SPTAN1-related conditions. Advanced modeling of protein sequence and biophysical properties (such as structural, functional, and spatial information, amino acid conservation, physicochemical variation, residue mobility, and thermodynamic stability) has been performed at Invitae for this missense variant, however the output from this modeling did not meet the statistical confidence thresholds required to predict the impact of this variant on SPTAN1 protein function. In summary, the available evidence is currently insufficient to determine the role of this variant in disease. Therefore, it has been classified as a Variant of Uncertain Significance.

NM_001130438.3(SPTAN1):c.4110T>A (p.Asp1370Glu)

Gene: SPTAN1 (spectrin alpha, non-erythrocytic 1; plus strand). Cytogenetic location: 9q34.11.
Variant type: single nucleotide variant.
Coding change: c.4110T>A on transcript NM_001130438.3 (MANE Select); coding-DNA position 4110, T replaced by A.
Protein change: p.Asp1370Glu; replaces aspartic acid 1370 with glutamic acid.
Molecular consequence: missense variant.
Genome position (GRCh38, 1-based): chr9:128,607,667, T>A. VCF-style: chr9-128607667-T-A. GRCh37 (hg19) VCF-style: chr9-131369946-T-A.
Other names: c.4110T>A, p.Asp1370Glu (NM_001375310.1, NM_001375311.2, NM_001375313.1 and 2 more transcripts); c.4146T>A, p.Asp1382Glu (NM_001375312.2, NM_001375318.1); c.4050T>A, p.Asp1350Glu (NM_001375314.2, NM_001195532.2, NM_001363765.2); short protein forms D1350E, D1370E, D1382E.
Identifiers: ClinVar variation 3610224 (VCV003610224.2).
Genomic context (GRCh38, chr9:128,607,667, plus strand): 5'-CCTCATGTCTTGGATCAATGGAATACGGGGGTTGGTGTCCTCAGATGAGCTAGCCAAGGA[T>A]GTCACCGGAGCTGAGGCATTGCTGGAGCGACACCAGGTGGGTGGACCTGCCTGCTGAGTA-3'
Protein context (NP_001123910.1, residues 1360-1380): GLVSSDELAK[Asp1370Glu]VTGAEALLER